The following is an entry in ClinVar:

ClinVar aggregate classification (germline): Uncertain significance (1 of 4 stars; one submission).

Submission:

Labcorp Genetics (formerly Invitae), Labcorp
Classification: Uncertain significance. Last evaluated: 2023-02-28. Review status: criteria provided, single submitter. Criteria: Invitae Variant Classification Sherloc (09022015). Collection method: clinical testing. Allele origin: germline.
Comment: This sequence change replaces phenylalanine, which is neutral and non-polar, with valine, which is neutral and non-polar, at codon 725 of the AUTS2 protein (p.Phe725Val). In summary, the available evidence is currently insufficient to determine the role of this variant in disease. Therefore, it has been classified as a Variant of Uncertain Significance. Advanced modeling of protein sequence and biophysical properties (such as structural, functional, and spatial information, amino acid conservation, physicochemical variation, residue mobility, and thermodynamic stability) performed at Invitae indicates that this missense variant is expected to disrupt AUTS2 protein function. This variant has not been reported in the literature in individuals affected with AUTS2-related conditions. This variant is not present in population databases (gnomAD no frequency).

NM_015570.4(AUTS2):c.2173T>G (p.Phe725Val)

Gene: AUTS2 (activator of transcription and developmental regulator AUTS2; plus strand). Cytogenetic location: 7q11.22.
Variant type: single nucleotide variant.
Coding change: c.2173T>G on transcript NM_015570.4 (MANE Select); coding-DNA position 2173, T replaced by G.
Protein change: p.Phe725Val; replaces phenylalanine 725 with valine.
Molecular consequence: missense variant.
Genome position (GRCh38, 1-based): chr7:70,784,968, T>G. VCF-style: chr7-70784968-T-G. GRCh37 (hg19) VCF-style: chr7-70249954-T-G.
Other names: c.2101T>G, p.Phe701Val (NM_001127231.3); short protein forms F701V, F725V.
Identifiers: ClinVar variation 2841641 (VCV002841641.3), dbSNP rs2484904450, ClinGen allele CA367663355.